The following is an entry in ClinVar:

NM_000489.6(ATRX):c.7371_7393del (p.Gly2458fs)

Gene: ATRX (ATRX chromatin remodeler; minus strand). Cytogenetic location: Xq21.1.
Variant type: Deletion.
Coding change: c.7371_7393del on transcript NM_000489.6 (MANE Select); coding-DNA positions 7371 to 7393, 23 bases deleted (AGGAATGTATCAGCCAGTGGCTG).
Protein change: p.Gly2458fs; shifts the reading frame from glycine 2458.
Molecular consequence: frameshift variant.
Genome position (GRCh38, 1-based): chrX:77,508,437-77,508,459, CAGCCACTGGCTGATACATTCCT deleted on the plus strand (AGGAATGTATCAGCCAGTGGCTG on the coding strand, the reverse complement: ATRX is on the minus strand); deleting any 23 consecutive bases within chrX:77,508,437-77,508,460 gives the same sequence; the c. name uses the placement nearest the transcript's 3' end. VCF-style (leftmost placement, unchanged base first): chrX-77508436-CCAGCCACTGGCTGATACATTCCT-C. GRCh37 (hg19) VCF-style: chrX-76763914-CCAGCCACTGGCTGATACATTCCT-C.
Other names: c.7257_7279del, p.Gly2420fs (NM_138270.5); short protein forms G2420fs, G2458fs.
Identifiers: ClinVar variation 2571372 (VCV002571372.27), dbSNP rs2519898339, ClinGen allele CA2580612367.
Genomic context (GRCh38, chrX:77,508,436, plus strand): 5'-CCTGGATTTTTGCTTCTCATTGGGGGTGGTGCACGCTGTAATGGTGGTGGCTGCATACCA[CCAGCCACTGGCTGATACATTCCT>C]CTCATATCAATCTGCTGGTAGTTAGAAGGATTCATGATCAAATTTGGGGGCTTTGGCATC-3'

ClinVar aggregate classification (germline): Uncertain significance (1 of 4 stars; one submission).

Submission:

CeGaT Center for Human Genetics Tuebingen
Classification: Uncertain significance. Last evaluated: 2023-04-01. Review status: criteria provided, single submitter. Criteria: CeGaT Center For Human Genetics Tuebingen Variant Classification Criteria Version 2. Collection method: clinical testing. Allele origin: germline. Affected: yes. Observed: 1 variant allele.
Comment: ATRX: PM2, PVS1:Moderate